The following is an entry in ClinVar:

NM_033056.4(PCDH15):c.5108C>T (p.Ser1703Leu)

Gene: PCDH15 (protocadherin related 15; minus strand). Cytogenetic location: 10q21.1.
Variant type: single nucleotide variant.
Coding change: c.5108C>T on transcript NM_033056.4 (MANE Plus Clinical); coding-DNA position 5108, C replaced by T.
Protein change: p.Ser1703Leu; replaces serine 1703 with leucine.
Molecular consequence: missense variant. On other transcripts: intron variant (8).
Genome position (GRCh38, 1-based): chr10:53,822,618, G>A on the plus strand (C>T on the coding strand, the complement: PCDH15 is on the minus strand). VCF-style: chr10-53822618-G-A. GRCh37 (hg19) VCF-style: chr10-55582378-G-A.
Other names: c.5129C>T, p.Ser1710Leu (NM_001142763.2); c.5114C>T, p.Ser1705Leu (NM_001142764.2); c.4901C>T, p.Ser1634Leu (NM_001142765.2); c.5099C>T, p.Ser1700Leu (NM_001142766.2); c.4988C>T, p.Ser1663Leu (NM_001142767.2); c.5048C>T, p.Ser1683Leu (NM_001142768.2); c.5039C>T, p.Ser1680Leu (NM_001142773.2); c.5042C>T, p.Ser1681Leu (NM_001354404.2); and 7 more; short protein forms S1681L, S1634L, S1663L, S1700L, S1703L, S1680L, S1683L, S1705L.
Identifiers: ClinVar variation 1345919 (VCV001345919.5), dbSNP rs2132497440, ClinGen allele CA376525796.

ClinVar aggregate classification (germline): Uncertain significance (1 of 4 stars; one submission).

Allele frequency attached by ClinVar (database versions not stated): gnomAD exomes below 0.00001.
gnomAD v4.1: 1 of 1,614,072 alleles (0.000062%); highest among the groups gnomAD compares: Non-Finnish European, 0.000085%; no homozygotes.

Submission:

Labcorp Genetics (formerly Invitae), Labcorp
Classification: Uncertain significance. Last evaluated: 2022-07-05. Review status: criteria provided, single submitter. Criteria: Invitae Variant Classification Sherloc (09022015). Collection method: clinical testing. Allele origin: germline.
Comment: This sequence change replaces serine, which is neutral and polar, with leucine, which is neutral and non-polar, at codon 1703 of the PCDH15 protein (p.Ser1703Leu). This variant is not present in population databases (gnomAD no frequency). This variant has not been reported in the literature in individuals affected with PCDH15-related conditions. ClinVar contains an entry for this variant (Variation ID: 1345919). Algorithms developed to predict the effect of missense changes on protein structure and function output the following: SIFT: "Tolerated"; PolyPhen-2: "Benign"; Align-GVGD: "Class C0". The leucine amino acid residue is found in multiple mammalian species, which suggests that this missense change does not adversely affect protein function. In summary, the available evidence is currently insufficient to determine the role of this variant in disease. Therefore, it has been classified as a Variant of Uncertain Significance.